The following is an entry in ClinVar:

ClinVar aggregate classification (germline): Uncertain significance (1 of 4 stars; one submission).

Conditions:
Emery-Dreifuss muscular dystrophy 5, autosomal dominant (EDMD5). Also called: EMERY-DREIFUSS MUSCULAR DYSTROPHY 5. Identifiers: Orphanet 261, MedGen C2751805, MONDO:0013072, OMIM 612999.

Allele frequency attached by ClinVar (database versions not stated): gnomAD 0.00001 and 0.00002; gnomAD exomes 0.00002; TOPMed 0.00002; ExAC 0.00003; ESP Exome Variant Server 0.00008.
gnomAD v4.1: 20 of 1,614,036 alleles (0.0012%); highest among the groups gnomAD compares: Middle Eastern, 0.016%; no homozygotes.

Submission:

Labcorp Genetics (formerly Invitae), Labcorp
Classification: Uncertain significance for Emery-Dreifuss muscular dystrophy 5, autosomal dominant. Last evaluated: 2025-09-02. Review status: criteria provided, single submitter. Criteria: Invitae Variant Classification Sherloc (09022015). Collection method: clinical testing. Allele origin: germline.
Comment: This sequence change replaces asparagine, which is neutral and polar, with serine, which is neutral and polar, at codon 5290 of the SYNE2 protein (p.Asn5290Ser). This variant is present in population databases (rs374774137, gnomAD 0.004%). This variant has not been reported in the literature in individuals affected with SYNE2-related conditions. ClinVar contains an entry for this variant (Variation ID: 854579). An algorithm developed to predict the effect of missense changes on protein structure and function outputs the following: PolyPhen-2: "Benign". The serine amino acid residue is found in multiple mammalian species, which suggests that this missense change does not adversely affect protein function. In summary, the available evidence is currently insufficient to determine the role of this variant in disease. Therefore, it has been classified as a Variant of Uncertain Significance.

NM_182914.3(SYNE2):c.15869A>G (p.Asn5290Ser)

Gene: SYNE2 (spectrin repeat containing nuclear envelope protein 2; plus strand). Cytogenetic location: 14q23.2.
Variant type: single nucleotide variant.
Coding change: c.15869A>G on transcript NM_182914.3 (MANE Select); coding-DNA position 15869, A replaced by G.
Protein change: p.Asn5290Ser; replaces asparagine 5290 with serine.
Molecular consequence: missense variant.
Genome position (GRCh38, 1-based): chr14:64,158,701, A>G. VCF-style: chr14-64158701-A-G. GRCh37 (hg19) VCF-style: chr14-64625419-A-G.
Other names: c.15869A>G, p.Asn5290Ser (NM_015180.6); short protein forms N5290S.
Identifiers: ClinVar variation 854579 (VCV000854579.9), dbSNP rs374774137, ClinGen allele CA7223209.